The following is an entry in ClinVar:

ClinVar aggregate classification (germline): Pathogenic/Likely pathogenic. Review status: criteria provided, multiple submitters, no conflicts (2 of 4 stars). 4 submissions from 4 submitters: Pathogenic (1); Likely pathogenic (2). 1 of the submissions does not count toward it. Last evaluated 2024-06-29.

Conditions:
Fanconi anemia (FA). Also called: Fanconi's anemia. Identifiers: Orphanet 84, MedGen C0015625, MeSH D005199, MONDO:0019391.
Fanconi anemia complementation group G. Also called: FANCG-Related Fanconi Anemia; Fanconi anemia group G. Identifiers: Orphanet 84, MedGen C3469527, MONDO:0013565, OMIM 614082.

Allele frequency attached by ClinVar (database versions not stated): gnomAD exomes below 0.00001.

Submissions (4):

Natera, Inc.
Classification: Likely pathogenic for Fanconi anemia group G. Last evaluated: 2024-06-29. Review status: criteria provided, single submitter. Criteria: Natera Variant Classification Schema (03/2026). Collection method: clinical testing. Allele origin: germline.
Comment: The c.212T>C variant in FANCG is a missense variant predicted to cause substitution of leucine to proline at amino acid 71. This variant is rare in the general population with a frequency below the threshold expected for the associated phenotype(s). This variant has been observed in one or more individuals affected with the associated recessive disease, as either homozygous or compound heterozygous with a second variant (PMID: 31558676, 36463940). This variant has been identified in one or more affected individuals with a phenotype highly consistent with the associated gene (PMID: 31558676, 36463940). Computational prediction algorithms indicate this variant is likely to affect gene or protein function. Given the available evidence, this variant is classified as Likely Pathogenic.

Women's Health and Genetics/Laboratory Corporation of America, LabCorp
Classification: Pathogenic for Fanconi anemia. Last evaluated: 2022-06-02. Review status: criteria provided, single submitter. Criteria: LabCorp Variant Classification Summary - May 2015. Collection method: clinical testing. Allele origin: germline.
Comment: Variant summary: FANCG c.212T>C (p.Leu71Pro) results in a non-conservative amino acid change in the encoded protein sequence. Five of five in-silico tools predict a damaging effect of the variant on protein function. The variant was absent in 251466 control chromosomes (gnomAD). c.212T>C has been reported in the literature in multiple homozygous individuals affected with Fanconi Anemia (Demuth_2000, Steinberg-Shemer_2020). These data indicate that the variant is very likely to be associated with disease. Experimental evidence demonstrated the variant has no complementing activity in FANCG cells, and abolishes the normal interaction of FANCG with both XRCC3 and FANCD1/BRCA2 (Hinz_2006, Hussain_2006). No clinical diagnostic laboratories have submitted clinical-significance assessments for this variant to ClinVar after 2014. Based on the evidence outlined above, the variant was classified as pathogenic.

Baylor Genetics
Classification: Likely pathogenic for Fanconi anemia complementation group G. Last evaluated: 2022-03-02. Review status: criteria provided, single submitter. Criteria: ACMG Guidelines, 2015. Collection method: clinical testing. Allele origin: unknown.

Leiden Open Variation Database
Classification: Pathogenic for Fanconi anemia complementation group G. Last evaluated: 2011-02-07. Review status: no assertion criteria provided. Collection method: curation. Allele origin: germline. Affected: yes. Not counted in ClinVar's aggregate classification.
Comment: Curator: Arleen D. Auerbach. Submitter to LOVD: Arleen D. Auerbach.

Literature cited by the submitters: PubMed 31558676 (cited by Natera, Inc. and Women's Health and Genetics/Laboratory Corporation of America, LabCorp); PubMed 36463940 (cited by Natera, Inc.); PubMed 11093276 (cited by Women's Health and Genetics/Laboratory Corporation of America, LabCorp and Leiden Open Variation Database); PubMed 17010390 (cited by Women's Health and Genetics/Laboratory Corporation of America, LabCorp); PubMed 16621732 (cited by Women's Health and Genetics/Laboratory Corporation of America, LabCorp).

NM_004629.2(FANCG):c.212T>C (p.Leu71Pro)

Gene: FANCG (FA complementation group G; minus strand). Cytogenetic location: 9p13.3.
Variant type: single nucleotide variant.
Coding change: c.212T>C on transcript NM_004629.2 (MANE Select); coding-DNA position 212, T replaced by C.
Protein change: p.Leu71Pro; replaces leucine 71 with proline.
Molecular consequence: missense variant.
Genome position (GRCh38, 1-based): chr9:35,078,700, A>G on the plus strand (T>C on the coding strand, the complement: FANCG is on the minus strand). VCF-style: chr9-35078700-A-G. GRCh37 (hg19) VCF-style: chr9-35078697-A-G.
Other names: short protein forms L71P.
Identifiers: ClinVar variation 929676 (VCV000929676.4), dbSNP rs1829130135, ClinGen allele CA373315399.